The following is an entry in ClinVar:

NM_001165963.4(SCN1A):c.4055T>A (p.Leu1352Gln)

Genes: SCN1A (sodium voltage-gated channel alpha subunit 1; minus strand), LOC102724058 (uncharacterized LOC102724058; plus strand). Cytogenetic location: 2q24.3.
Variant type: single nucleotide variant.
Coding change: c.4055T>A on transcript NM_001165963.4 (MANE Select); coding-DNA position 4055, T replaced by A.
Protein change: p.Leu1352Gln; replaces leucine 1352 with glutamine.
Molecular consequence: missense variant. On other transcripts: non-coding transcript variant (1).
Genome position (GRCh38, 1-based): chr2:166,002,701, A>T on the plus strand (T>A on the coding strand, the complement: SCN1A is on the minus strand). VCF-style: chr2-166002701-A-T. GRCh37 (hg19) VCF-style: chr2-166859211-A-T.
Other names: c.3971T>A, p.Leu1324Gln (NM_001165964.3, NM_001353957.2, NM_001353958.2); c.4055T>A, p.Leu1352Gln (NM_001202435.3, NM_001353948.2); c.4022T>A, p.Leu1341Gln (NM_001353949.2, NM_001353950.2, NM_001353951.2 and 2 more transcripts); c.4019T>A, p.Leu1340Gln (NM_001353954.2, NM_001353955.2); c.3968T>A, p.Leu1323Gln (NM_001353960.2); c.1613T>A, p.Leu538Gln (NM_001353961.2); short protein forms L1352Q, L1324Q, L1340Q, L1323Q, L1341Q, L538Q.
Identifiers: ClinVar variation 1486863 (VCV001486863.10), dbSNP rs794726821, ClinGen allele CA349050675.

ClinVar aggregate classification (germline): Conflicting classifications of pathogenicity. Review status: criteria provided, conflicting classifications (1 of 4 stars). 2 submissions from 2 submitters: Pathogenic (1); Uncertain significance (1). Last evaluated 2022-05-04.

Conditions:
Early-infantile DEE. Also called: Early infantile epileptic encephalopathy with suppression bursts; Early infantile epileptic encephalopathy; Ohtahara syndrome. Identifiers: Orphanet 1934, MedGen C0393706, MONDO:0800491.
Generalized epilepsy with febrile seizures plus, type 2 (GEFSP2). Also called: GEFS+, TYPE 2. Identifiers: Orphanet 36387, MedGen C1858673, MONDO:0011461, OMIM 604403.

Submissions (2):

Mendelics
Classification: Pathogenic for Generalized epilepsy with febrile seizures plus, type 2. Last evaluated: 2022-05-04. Review status: criteria provided, single submitter. Criteria: Mendelics Assertion Criteria 2019. Collection method: clinical testing. Allele origin: germline.

Labcorp Genetics (formerly Invitae), Labcorp
Classification: Uncertain significance for Early-infantile DEE. Last evaluated: 2021-05-18. Review status: criteria provided, single submitter. Criteria: Invitae Variant Classification Sherloc (09022015). Collection method: clinical testing. Allele origin: germline.
Comment: In summary, the available evidence is currently insufficient to determine the role of this variant in disease. Therefore, it has been classified as a Variant of Uncertain Significance. Algorithms developed to predict the effect of sequence changes on RNA splicing suggest that this variant may create or strengthen a splice site, but this prediction has not been confirmed by published transcriptional studies. Advanced modeling of protein sequence and biophysical properties (such as structural, functional, and spatial information, amino acid conservation, physicochemical variation, residue mobility, and thermodynamic stability) performed at Invitae indicates that this missense variant is expected to disrupt SCN1A protein function. This variant has not been reported in the literature in individuals with SCN1A-related conditions. This variant is not present in population databases (ExAC no frequency). This sequence change replaces leucine with glutamine at codon 1352 of the SCN1A protein (p.Leu1352Gln). The leucine residue is highly conserved and there is a moderate physicochemical difference between leucine and glutamine.